The following is an entry in ClinVar:

NM_024665.7(TBL1XR1):c.1043A>G (p.His348Arg)

Genes: TBL1XR1 (TBL1X/Y related 1; minus strand), TBL1XR1-AS1 (TBL1XR1 antisense RNA 1; plus strand), LOC126806878 (CDK7 strongly-dependent group 2 enhancer GRCh37_chr3:176755168-176756367; plus strand). Cytogenetic location: 3q26.32.
Variant type: single nucleotide variant.
Coding change: c.1043A>G on transcript NM_024665.7 (MANE Select); coding-DNA position 1043, A replaced by G.
Protein change: p.His348Arg; replaces histidine 348 with arginine.
Molecular consequence: missense variant.
Genome position (GRCh38, 1-based): chr3:177,038,317, T>C on the plus strand (A>G on the coding strand, the complement: TBL1XR1 is on the minus strand). VCF-style: chr3-177038317-T-C. GRCh37 (hg19) VCF-style: chr3-176756105-T-C.
Other names: c.1043A>G, p.His348Arg (NM_001321193.3, NM_001321194.3, NM_001374327.1 and 2 more transcripts); c.782A>G, p.His261Arg (NM_001321195.3, NM_001374330.1); short protein forms H261R, H348R.
Identifiers: ClinVar variation 666259 (VCV000666259.3), dbSNP rs1576994053, ClinGen allele CA355555205.

ClinVar aggregate classification (germline): Likely pathogenic. Review status: criteria provided, multiple submitters, no conflicts (2 of 4 stars). 2 submissions from 2 submitters: Likely pathogenic (2). Last evaluated 2021-04-26.

Conditions:
Intellectual developmental disorder, autosomal dominant 41. Also called: Intellectual disability, autosomal dominant 41. Identifiers: Orphanet 2823, MedGen C4310784, MONDO:0014842, OMIM 616944.

Submissions (2):

Genetics Laboratory, UDIAT-Centre Diagnòstic, Hospital Universitari Parc Tauli
Classification: Likely pathogenic. Last evaluated: 2021-04-26. Review status: criteria provided, single submitter. Criteria: Parc Tauli Hospital Assertion Criteria 2021. Collection method: clinical testing. Allele origin: de novo. Inheritance: Autosomal dominant inheritance. Affected: yes. Observed: 1 heterozygote.
Comment: PM2_supporting;PM6_moderate;PP2_supporting;PP3_supporting;PP5_supporting

Genetics Laboratory - UDIAT Centre Diagnòstic, Hospital Universitari Parc Tauli
Classification: Likely pathogenic for Intellectual developmental disorder, autosomal dominant 41. Last evaluated: 2019-07-10. Review status: criteria provided, single submitter. Criteria: ACMG Guidelines, 2015. Collection method: clinical testing. Allele origin: de novo. Affected: yes.